The following is an entry in ClinVar:

NM_004984.4(KIF5A):c.2902_2903delinsTT (p.Asp968Phe)

Gene: KIF5A (kinesin family member 5A; plus strand). Cytogenetic location: 12q13.3.
Variant type: Indel.
Coding change: c.2902_2903delinsTT on transcript NM_004984.4 (MANE Select); coding-DNA positions 2902 to 2903, GA replaced by TT.
Protein change: p.Asp968Phe; replaces aspartic acid 968 with phenylalanine.
Molecular consequence: missense variant.
Genome position (GRCh38, 1-based): chr12:57,581,561-57,581,562, GA replaced by TT. VCF-style: chr12-57581561-GA-TT. GRCh37 (hg19) VCF-style: chr12-57975344-GA-TT.
Other names: c.2635_2636delinsTT, p.Asp879Phe (NM_001354705.2); short protein forms D879F, D968F.
Identifiers: ClinVar variation 1711349 (VCV001711349.30), dbSNP rs2540515712, ClinGen allele CA2580086589.

ClinVar aggregate classification (germline): Uncertain significance (1 of 4 stars; one submission).

Submission:

CeGaT Center for Human Genetics Tuebingen
Classification: Uncertain significance. Last evaluated: 2022-08-01. Review status: criteria provided, single submitter. Criteria: CeGaT Center For Human Genetics Tuebingen Variant Classification Criteria Version 2. Collection method: clinical testing. Allele origin: germline. Affected: yes. Observed: 1 variant allele.
Comment: KIF5A: PM2